The following is an entry in ClinVar:

ClinVar aggregate classification (germline): Uncertain significance (1 of 4 stars; one submission).

Allele frequency attached by ClinVar (database versions not stated): gnomAD exomes 0.00002 and 0.00006; ExAC 0.00003; gnomAD 0.00004; TOPMed 0.00008.
gnomAD v4.1: 41 of 1,611,264 alleles (0.0025%); highest among the groups gnomAD compares: Admixed American, 0.037%; no homozygotes.

Submission:

Labcorp Genetics (formerly Invitae), Labcorp
Classification: Uncertain significance. Last evaluated: 2024-06-04. Review status: criteria provided, single submitter. Criteria: Invitae Variant Classification Sherloc (09022015). Collection method: clinical testing. Allele origin: germline.
Comment: This sequence change replaces proline, which is neutral and non-polar, with leucine, which is neutral and non-polar, at codon 1102 of the ERBB2 protein (p.Pro1102Leu). This variant is present in population databases (rs200455249, gnomAD 0.04%). This variant has not been reported in the literature in individuals affected with ERBB2-related conditions. ClinVar contains an entry for this variant (Variation ID: 1462433). An algorithm developed to predict the effect of missense changes on protein structure and function (PolyPhen-2) suggests that this variant is likely to be tolerated. In summary, the available evidence is currently insufficient to determine the role of this variant in disease. Therefore, it has been classified as a Variant of Uncertain Significance.

NM_004448.4(ERBB2):c.3305C>T (p.Pro1102Leu)

Gene: ERBB2 (erb-b2 receptor tyrosine kinase 2; plus strand). Cytogenetic location: 17q12.
Variant type: single nucleotide variant.
Coding change: c.3305C>T on transcript NM_004448.4 (MANE Select); coding-DNA position 3305, C replaced by T.
Protein change: p.Pro1102Leu; replaces proline 1102 with leucine.
Molecular consequence: missense variant. On other transcripts: intron variant (2), non-coding transcript variant (1).
Genome position (GRCh38, 1-based): chr17:39,727,440, C>T. VCF-style: chr17-39727440-C-T. GRCh37 (hg19) VCF-style: chr17-37883693-C-T.
Other names: c.3326C>T, p.Pro1109Leu (NM_001382789.1); c.3302C>T, p.Pro1101Leu (NM_001382790.1); c.3296C>T, p.Pro1099Leu (NM_001382791.1); c.3269C>T, p.Pro1090Leu (NM_001382792.1); c.3263C>T, p.Pro1088Leu (NM_001382793.1, NM_001382794.1); c.3257C>T, p.Pro1086Leu (NM_001382795.1); c.3218C>T, p.Pro1073Leu (NM_001382796.1); c.3206C>T, p.Pro1069Leu (NM_001382797.1); and 17 more; short protein forms P1016L, P1050L, P1073L, P1109L, P1127L, P1129L, P1042L, P1088L.
Identifiers: ClinVar variation 1462433 (VCV001462433.8), dbSNP rs200455249, ClinGen allele CA8534520.